The following is an entry in ClinVar:

NM_000287.4(PEX6):c.614T>A (p.Leu205Gln)

Gene: PEX6 (peroxisomal biogenesis factor 6; minus strand). Cytogenetic location: 6p21.1.
Variant type: single nucleotide variant.
Coding change: c.614T>A on transcript NM_000287.4 (MANE Select); coding-DNA position 614, T replaced by A.
Protein change: p.Leu205Gln; replaces leucine 205 with glutamine.
Molecular consequence: missense variant. On other transcripts: non-coding transcript variant (1).
Genome position (GRCh38, 1-based): chr6:42,978,537, A>T on the plus strand (T>A on the coding strand, the complement: PEX6 is on the minus strand). VCF-style: chr6-42978537-A-T. GRCh37 (hg19) VCF-style: chr6-42946275-A-T.
Other names: c.614T>A, p.Leu205Gln (NM_001316313.2); short protein forms L205Q.
Identifiers: ClinVar variation 2005727 (VCV002005727.2), dbSNP rs1379179938, ClinGen allele CA364163378.

ClinVar aggregate classification (germline): Uncertain significance (1 of 4 stars; one submission).

Conditions:
Peroxisome biogenesis disorder. Identifiers: Orphanet 79189, MedGen C1832200, MONDO:0019234. Disease mechanism: loss of function.

Allele frequency attached by ClinVar (database versions not stated): TOPMed below 0.00001.
gnomAD v4.1: 1 of 1,613,826 alleles (0.000062%); no homozygotes.

Submission:

Labcorp Genetics (formerly Invitae), Labcorp
Classification: Uncertain significance for Peroxisome biogenesis disorder. Last evaluated: 2022-08-23. Review status: criteria provided, single submitter. Criteria: Invitae Variant Classification Sherloc (09022015). Collection method: clinical testing. Allele origin: germline.
Comment: This variant has not been reported in the literature in individuals affected with PEX6-related conditions. In summary, the available evidence is currently insufficient to determine the role of this variant in disease. Therefore, it has been classified as a Variant of Uncertain Significance. Algorithms developed to predict the effect of missense changes on protein structure and function are either unavailable or do not agree on the potential impact of this missense change (SIFT: "Deleterious"; PolyPhen-2: "Possibly Damaging"; Align-GVGD: "Class C0"). This variant is not present in population databases (gnomAD no frequency). This sequence change replaces leucine, which is neutral and non-polar, with glutamine, which is neutral and polar, at codon 205 of the PEX6 protein (p.Leu205Gln).